The following is an entry in ClinVar:

NM_000168.6(GLI3):c.2501C>T (p.Ser834Phe)

Gene: GLI3 (GLI family zinc finger 3; minus strand). Cytogenetic location: 7p14.1.
Variant type: single nucleotide variant.
Coding change: c.2501C>T on transcript NM_000168.6 (MANE Select); coding-DNA position 2501, C replaced by T.
Protein change: p.Ser834Phe; replaces serine 834 with phenylalanine.
Molecular consequence: missense variant.
Genome position (GRCh38, 1-based): chr7:41,966,572, G>A on the plus strand (C>T on the coding strand, the complement: GLI3 is on the minus strand). VCF-style: chr7-41966572-G-A. GRCh37 (hg19) VCF-style: chr7-42006170-G-A.
Other names: short protein forms S834F.
Identifiers: ClinVar variation 3235912 (VCV003235912.1), dbSNP rs375261329, ClinGen allele CA367320957.

ClinVar aggregate classification (germline): Uncertain significance (1 of 4 stars; one submission).

Conditions:
Greig cephalopolysyndactyly syndrome (GCPS). Also called: GLI3-Related Greig Cephalopolysyndactyly Syndrome; POLYSYNDACTYLY WITH PECULIAR SKULL SHAPE; Greig syndrome. Identifiers: Orphanet 380, MedGen C0265306, MONDO:0008287, OMIM 175700.
Polydactyly, postaxial, type A1. Identifiers: MedGen C4282400, MONDO:0008266, OMIM 174200.
Pallister-Hall syndrome (PHS). Also called: HYPOTHALAMIC HAMARTOBLASTOMA, HYPOPITUITARISM, IMPERFORATE ANUS, AND POSTAXIAL POLYDACTYLY; GLI3-Related Pallister-Hall Syndrome. Identifiers: Orphanet 672, MedGen C0265220, MONDO:0007804, OMIM 146510.
Polysyndactyly 4. Also called: Polysyndactyly uncomplicated; Preaxial polydactyly 4. Identifiers: Orphanet 93338, MedGen C1868111, MONDO:0008272, OMIM 174700.

Submission:

New York Genome Center
Classification: Uncertain significance for Greig cephalopolysyndactyly syndrome; Pallister-Hall syndrome; Polydactyly, postaxial, type A1; Polysyndactyly 4. Last evaluated: 2021-11-16. Review status: criteria provided, single submitter. Criteria: NYGC Assertion Criteria 2020. Collection method: clinical testing. Allele origin: inherited. Observed: 1 heterozygote. Study: PrenatalSEQ.
Comment: The c.2501C>T (p.(Ser834Phe)) missense variant identified in the GLI3 gene has not previously been reported in the literature or public variant repositories (ClinVar and LOVD), and is absent from population databases (gnomAD v2.1.1 and v3.1.2, TOPMed Freeze 8) suggesting it is not a common benign variant in the populations represented in those databases. The predicted p.(Ser834Phe) variant affects a moderately conserved residue located in the transactivation domain of the encoded protein [PMID: 32245491], and multiple in silico algorithms provide conflicting predictions about the effect of this variant on the encoded transcript (CADD v1.6= 22.8, REVEL= 0.357). Of note, there are two nearby missense variants reported in the literature in individuals diagnosed with Pallister-Hall syndrome [PMID:29100090] and not-specified GLI3-related disorder [PMID:33726816], respectively. Based on available evidence, this inherited c.2501C>T (p.(Ser834Phe)) variant identified in the GLI3 gene is reported as a Variant of Uncertain Significance.